The following is an entry in ClinVar:

NM_000277.3(PAH):c.529G>C (p.Val177Leu)

Gene: PAH (phenylalanine hydroxylase; minus strand). Cytogenetic location: 12q23.2.
Variant type: single nucleotide variant.
Coding change: c.529G>C on transcript NM_000277.3 (MANE Select); coding-DNA position 529, G replaced by C.
Protein change: p.Val177Leu; replaces valine 177 with leucine.
Molecular consequence: missense variant.
Genome position (GRCh38, 1-based): chr12:102,855,313, C>G on the plus strand (G>C on the coding strand, the complement: PAH is on the minus strand). VCF-style: chr12-102855313-C-G. GRCh37 (hg19) VCF-style: chr12-103249091-C-G.
Other names: c.529G>C, p.Val177Leu (NM_001354304.2); c.529G>C (NM_000277.2); short protein forms V177L.
Identifiers: ClinVar variation 102727 (VCV000102727.62), dbSNP rs199475602, ClinGen allele CA229610.
Genomic context (GRCh38, chr12:102,855,313, plus strand): 5'-AGGACTTCAGAGTCTTGAACACTGTGCCCCATGTTTTCTTTTCTTCCTCCATGTATTCCA[C>G]TCGAGGGATGGGCTGCCCACTAGAATACAGGCACAAAATAGGTGTCTCAAGCAGGGCAGG-3'
Protein context (NP_000268.1, residues 167-187): NYRHGQPIPR[Val177Leu]EYMEEEKKTW

ClinVar aggregate classification (germline): Pathogenic. Review status: reviewed by expert panel (3 of 4 stars). 10 submissions from 10 submitters: Pathogenic (1). 9 of the submissions do not count toward it. Last evaluated 2019-09-22.

Conditions:
PAH-related disorder. Also called: PAH-related condition.
Phenylketonuria (PKU). Also called: FOLLING DISEASE; Phenylketonurias; OLIGOPHRENIA PHENYLPYRUVICA; Phenylketonuria (PKU). Identifiers: Orphanet 716, MedGen C0031485, MONDO:0009861, OMIM 261600. Disease mechanism: loss of function.

Allele frequency attached by ClinVar (database versions not stated): TOPMed 0.00002; ESP Exome Variant Server 0.00008.
gnomAD v4.1: 15 of 1,613,972 alleles (0.00093%); highest among the groups gnomAD compares: Non-Finnish European, 0.0013%; no homozygotes.

Submissions (10):

ClinGen PAH Variant Curation Expert Panel
Classification: Pathogenic for Phenylketonuria. Last evaluated: 2019-09-22. Review status: reviewed by expert panel. Criteria: ClinGen PAH ACMG Specifications v1. Collection method: curation. Allele origin: germline. Inheritance: Autosomal recessive inheritance.
Comment: The c.529G>C (p.Val177Leu) variant in PAH has been reported in multiple individuals with PAH deficiency (BH4 deficiency excluded). (PP4_Moderate). This variant has an extremely low allele frequency (Pop Max MAF=0.00005 ENF) in gnomAD (PM2). This variant was detected with pathogenic variants: F39L, L48S, F39del, R408W, R261Q, F55fs, R158Q, Trp187*. Parental testing not reported. PMID: 8659548, PMID: 16879198, PMID: 19609714, PMID: 23430918, PMID: 22391997, PMID: 22513348, PMID: 26666653 (PM3_very-strong. Computational prediction tools and conservation analysis do not agree. In summary, this variant meets criteria to be classified as pathogenic for PAH. PAH-specific ACMG/AMP criteria applied: PP4_Moderate, PM3_very-strong, PM2.

Labcorp Genetics (formerly Invitae), Labcorp
Classification: Pathogenic for Phenylketonuria. Last evaluated: 2026-01-17. Review status: criteria provided, single submitter. Criteria: Invitae Variant Classification Sherloc (09022015). Collection method: clinical testing. Allele origin: germline. Not counted in ClinVar's aggregate classification.
Comment: This sequence change replaces valine, which is neutral and non-polar, with leucine, which is neutral and non-polar, at codon 177 of the PAH protein (p.Val177Leu). This variant is present in population databases (rs199475602, gnomAD 0.006%). This missense change has been observed in individual(s) with PAH-related conditions (PMID: 8659548, 8807331, 22513348, 23430547, 24789341, 25087612, 26666653). ClinVar contains an entry for this variant (Variation ID: 102727). Invitae Evidence Modeling of protein sequence and biophysical properties (such as structural, functional, and spatial information, amino acid conservation, physicochemical variation, residue mobility, and thermodynamic stability) indicates that this missense variant is not expected to disrupt PAH protein function with a negative predictive value of 80%. This variant disrupts the p.Val177 amino acid residue in PAH. Other variant(s) that disrupt this residue have been determined to be pathogenic (PMID: 12501224, 17096675, 23430547, 23500595, 23764561, 27121329). This suggests that this residue is clinically significant, and that variants that disrupt this residue are likely to be disease-causing. For these reasons, this variant has been classified as Pathogenic.

GeneDx
Classification: Pathogenic. Last evaluated: 2026-01-14. Review status: criteria provided, single submitter. Criteria: GeneDx Variant Classification Process June 2021. Collection method: clinical testing. Allele origin: germline. Affected: yes. Not counted in ClinVar's aggregate classification.
Comment: Not observed at significant frequency in large population cohorts (gnomAD); In silico analysis suggests that this missense variant does not alter protein structure/function; This variant is associated with the following publications: (PMID: 16879198, 14654663, 19609714, 10394930, 22917871, 25087612, 22391997, 24789341, 17924342, 23430547, 23430918, 23357515, 23842451, 8807331, 21147011, 32668217, 27535533, 17935162, 22513348, 38469087, 22526846, 8659548, 26666653)

Natera, Inc.
Classification: Pathogenic for Phenylketonuria. Last evaluated: 2025-12-23. Review status: criteria provided, single submitter. Criteria: Natera Variant Classification Schema (03/2026). Collection method: clinical testing. Allele origin: germline. Not counted in ClinVar's aggregate classification.
Comment: The c.529G>C variant in PAH is a missense variant predicted to cause substitution of valine to leucine at amino acid 177. This variant is rare in the general population with a frequency below the threshold expected for the associated phenotype(s). This variant has been observed in one or more individuals affected with the associated recessive disease, as either homozygous or compound heterozygous with a second variant (PMID: 26542770, 31623983, 31053953). Computational prediction algorithms indicate this variant is likely to affect gene or protein function. Given the available evidence, this variant is classified as Pathogenic.

PreventionGenetics, part of Exact Sciences
Classification: Pathogenic for PAH-related condition. Last evaluated: 2022-11-10. Review status: criteria provided, single submitter. Criteria: ACMG Guidelines, 2015. Collection method: clinical testing. Allele origin: germline. Not counted in ClinVar's aggregate classification.
Comment: The PAH c.529G>C variant is predicted to result in the amino acid substitution p.Val177Leu. This variant has been reported, along with a second pathogenic PAH variant, in several individuals that presented with either mild hyperphenylalaninemia (MHP) or mild phenylketonuria (mPKU) (Guldberg et al. 1996. PubMed ID: 8659548; Langenbeck et al. 2009. PubMed ID: 19609714; Feillet et al. 2014. PubMed ID: 24789341; Djordjevic et al. 2013. PubMed ID: 23430547). Different substitutions of the same codon (p.Val177Met, p.Val177Ala) have also been reported in association with phenylalanine hydroxylase deficiency (Muntau et al. 2002. PubMed ID: 12501224; Jennings et al. 2000. PubMed ID: 10980574). Internally, we have observed the c.529G>C (p.Val177Leu) variant along with a second pathogenic PAH variant in affected individuals. This variant is also documented in the PAH variant database and is classified as a MHP variant. Additionally, it is interpreted as pathogenic by the ClinGen PAH Variant Curation Expert Panel and as pathogenic or likely pathogenic by other outside laboratories. Based on the collective evidence, this variant is interpreted as pathogenic.

CeGaT Center for Human Genetics Tuebingen
Classification: Pathogenic. Last evaluated: 2019-10-01. Review status: criteria provided, single submitter. Criteria: CeGaT Center For Human Genetics Tuebingen Variant Classification Criteria Version 2. Collection method: clinical testing. Allele origin: germline. Affected: yes. Observed: 3 variant alleles. Not counted in ClinVar's aggregate classification.

Women's Health and Genetics/Laboratory Corporation of America, LabCorp
Classification: Pathogenic for Phenylketonuria. Last evaluated: 2018-05-14. Review status: criteria provided, single submitter. Criteria: LabCorp Variant Classification Summary - May 2015. Collection method: clinical testing. Allele origin: germline. Not counted in ClinVar's aggregate classification.
Comment: Variant summary: PAH c.529G>C (p.Val177Leu) results in a conservative amino acid change located in the catalytic domain of the encoded protein sequence (Jeannesson-Thivisol 2015). Four of five in-silico tools predict a damaging effect of the variant on protein function. The variant allele was found at a frequency of 2.9e-05 in 276898 control chromosomes. This frequency is not higher than expected for a pathogenic variant in PAH causing Phenylalanine Hydroxylase Deficiency (Phenylketonuria) (2.9e-05 vs 0.0079), allowing no conclusion about variant significance. The variant, c.529G>C has been reported in the literature in multiple individuals affected with mild Phenylalanine Hydroxylase Deficiency (Phenylketonuria) and also found in individuals with Hyperphenylalaninemia (e.g. Djordjevic 2012, Sterl 2013, Reblova 2013, Anjema 2013, Jeannesson-Thivisol2015). These data indicate that the variant is very likely to be associated with disease. Tetrahydrobiopterin (BH4) responsiveness was reported to be inconsistent in patients, probably influenced by the other variant found in trans (Djordjevic 2012, Anjema 2013). In a recent study a compound heterozygous patient carrying this mutation with a null mutation, was found to be BH4-responsive (Jeannesson-Thivisol 2015). One clinical diagnostic laboratory has submitted clinical-significance assessments for this variant to ClinVar after 2014 without evidence for independent evaluation, and classified the variant as pathogenic. Based on the evidence outlined above, the variant was classified as pathogenic.

Molecular Diagnostics Laboratory, M Health Fairview: University of Minnesota
Classification: Likely pathogenic for Phenylketonuria. Last evaluated: 2017-10-25. Review status: criteria provided, single submitter. Criteria: ACMG Guidelines, 2015. Collection method: clinical testing. Allele origin: germline. Affected: yes. Observed: 1 variant allele. Not counted in ClinVar's aggregate classification.

Counsyl
Classification: Pathogenic for Phenylketonuria. Last evaluated: 2017-10-02. Review status: no assertion criteria provided. Collection method: clinical testing. Allele origin: unknown. Not counted in ClinVar's aggregate classification.

DeBelle Laboratory for Biochemical Genetics, MUHC/MCH RESEARCH INSTITUTE
No classification provided. Review status: no classification provided. Collection method: not provided. Allele origin: not provided. Not counted in ClinVar's aggregate classification.

Literature cited by the submitters: PubMed 19609714 (cited by ClinGen PAH Variant Curation Expert Panel and Counsyl); PubMed 22513348 (cited by 3 submitters); PubMed 8659548 (cited by 3 submitters); PubMed 23842451 (cited by 3 submitters); PubMed 23430918 (cited by 3 submitters); PubMed 26666653 (cited by 5 submitters); PubMed 22391997 (cited by ClinGen PAH Variant Curation Expert Panel); PubMed 16879198 (cited by ClinGen PAH Variant Curation Expert Panel and Molecular Diagnostics Laboratory, M Health Fairview: University of Minnesota); PubMed 22526846 (cited by 3 submitters); PubMed 8807331 (cited by 3 submitters); PubMed 23430547 (cited by 4 submitters); PubMed 24789341 (cited by Labcorp Genetics (formerly Invitae), Labcorp and Counsyl); PubMed 25087612 (cited by Labcorp Genetics (formerly Invitae), Labcorp); PubMed 12501224 (cited by Labcorp Genetics (formerly Invitae), Labcorp); PubMed 17096675 (cited by Labcorp Genetics (formerly Invitae), Labcorp); PubMed 23500595 (cited by Labcorp Genetics (formerly Invitae), Labcorp); PubMed 23764561 (cited by Labcorp Genetics (formerly Invitae), Labcorp); PubMed 27121329 (cited by Labcorp Genetics (formerly Invitae), Labcorp); PubMed 26542770 (cited by Natera, Inc.); PubMed 31623983 (cited by Natera, Inc.); PubMed 31053953 (cited by Natera, Inc.); PubMed 23357515 (cited by Women's Health and Genetics/Laboratory Corporation of America, LabCorp and Counsyl); PubMed 17924342 (cited by Molecular Diagnostics Laboratory, M Health Fairview: University of Minnesota and Counsyl); PubMed 21147011 (cited by Counsyl); PubMed 10394930 (cited by Counsyl).